The following is an entry in ClinVar:

ClinVar aggregate classification (germline): Uncertain significance (1 of 4 stars; one submission).

Submission:

Ambry Genetics
Classification: Uncertain significance. Last evaluated: 2021-10-30. Review status: criteria provided, single submitter. Criteria: Ambry Variant Classification Scheme 2023. Collection method: clinical testing. Allele origin: germline.
Comment: The p.Q2065R variant (also known as c.6194A>G), located in coding exon 10 of the ALPK2 gene, results from an A to G substitution at nucleotide position 6194. The glutamine at codon 2065 is replaced by arginine, an amino acid with highly similar properties. This amino acid position is conserved. In addition, this alteration is predicted to be tolerated by in silico analysis. Since supporting evidence is limited at this time, the clinical significance of this alteration remains unclear.

NM_052947.4(ALPK2):c.6194A>G (p.Gln2065Arg)

Gene: ALPK2 (alpha kinase 2; minus strand). Cytogenetic location: 18q21.31.
Variant type: single nucleotide variant.
Coding change: c.6194A>G on transcript NM_052947.4 (MANE Select); coding-DNA position 6194, A replaced by G.
Protein change: p.Gln2065Arg; replaces glutamine 2065 with arginine.
Molecular consequence: missense variant.
Genome position (GRCh38, 1-based): chr18:58,503,984, T>C on the plus strand (A>G on the coding strand, the complement: ALPK2 is on the minus strand). VCF-style: chr18-58503984-T-C. GRCh37 (hg19) VCF-style: chr18-56171216-T-C.
Other names: short protein forms Q2065R.
Identifiers: ClinVar variation 1752129 (VCV001752129.2), dbSNP rs2518854921, ClinGen allele CA402543367.